The following is an entry in ClinVar:

ClinVar aggregate classification (germline): Pathogenic (1 of 4 stars; one submission).

gnomAD v4.1: 18 of 1,613,920 alleles (0.0011%); highest among the groups gnomAD compares: Admixed American, 0.0017%; no homozygotes.

Submission:

Labcorp Genetics (formerly Invitae), Labcorp
Classification: Pathogenic. Last evaluated: 2023-08-17. Review status: criteria provided, single submitter. Criteria: Invitae Variant Classification Sherloc (09022015). Collection method: clinical testing. Allele origin: germline.
Comment: For these reasons, this variant has been classified as Pathogenic. This variant has not been reported in the literature in individuals affected with TBCE-related conditions. This variant is present in population databases (rs755798626, gnomAD 0.003%). This sequence change creates a premature translational stop signal (p.Arg386*) in the TBCE gene. It is expected to result in an absent or disrupted protein product. Loss-of-function variants in TBCE are known to be pathogenic (PMID: 27666369, 34134906, 34356170).

Literature cited by the submitters: PubMed 27666369; PubMed 34134906; PubMed 34356170.

NM_003193.5(TBCE):c.1156C>T (p.Arg386Ter)

Gene: TBCE (tubulin folding cofactor E; plus strand). Cytogenetic location: 1q42.3.
Variant type: single nucleotide variant.
Coding change: c.1156C>T on transcript NM_003193.5 (MANE Select); coding-DNA position 1156, C replaced by T.
Protein change: p.Arg386Ter; replaces arginine 386 with a stop codon.
Molecular consequence: nonsense.
Genome position (GRCh38, 1-based): chr1:235,438,808, C>T. VCF-style: chr1-235438808-C-T. GRCh37 (hg19) VCF-style: chr1-235602123-C-T.
Other names: c.1156C>T, p.Arg386Ter (NM_001079515.3); c.1309C>T, p.Arg437Ter (NM_001287801.2); c.817C>T, p.Arg273Ter (NM_001287802.2); short protein forms R273*, R437*, R386*.
Identifiers: ClinVar variation 2807938 (VCV002807938.3), dbSNP rs755798626, ClinGen allele CA1464361.